The following is an entry in ClinVar:

NM_014363.6(SACS):c.8222T>C (p.Leu2741Pro)

Gene: SACS (sacsin molecular chaperone; minus strand). Cytogenetic location: 13q12.12.
Variant type: single nucleotide variant.
Coding change: c.8222T>C on transcript NM_014363.6 (MANE Select); coding-DNA position 8222, T replaced by C.
Protein change: p.Leu2741Pro; replaces leucine 2741 with proline.
Molecular consequence: missense variant.
Genome position (GRCh38, 1-based): chr13:23,335,654, A>G on the plus strand (T>C on the coding strand, the complement: SACS is on the minus strand). VCF-style: chr13-23335654-A-G. GRCh37 (hg19) VCF-style: chr13-23909793-A-G.
Other names: c.7781T>C, p.Leu2594Pro (NM_001278055.2); short protein forms L2741P, L2594P.
Identifiers: ClinVar variation 1906877 (VCV001906877.2), dbSNP rs372602264, ClinGen allele CA6910805.

ClinVar aggregate classification (germline): Uncertain significance (1 of 4 stars; one submission).

Conditions:
Spastic paraplegia. Identifiers: MedGen C0037772, HP:0001258.

Allele frequency attached by ClinVar (database versions not stated): gnomAD exomes below 0.00001; gnomAD 0.00001; TOPMed 0.00001; ExAC 0.00002; ESP Exome Variant Server 0.00008.
gnomAD v4.1: 4 of 1,613,904 alleles (0.00025%); highest among the groups gnomAD compares: Non-Finnish European, 0.00034%; no homozygotes.

Submission:

Labcorp Genetics (formerly Invitae), Labcorp
Classification: Uncertain significance for Spastic paraplegia. Last evaluated: 2022-06-03. Review status: criteria provided, single submitter. Criteria: Invitae Variant Classification Sherloc (09022015). Collection method: clinical testing. Allele origin: germline.
Comment: This sequence change replaces leucine, which is neutral and non-polar, with proline, which is neutral and non-polar, at codon 2741 of the SACS protein (p.Leu2741Pro). This variant is present in population databases (rs372602264, gnomAD 0.003%). This variant has not been reported in the literature in individuals affected with SACS-related conditions. Algorithms developed to predict the effect of missense changes on protein structure and function are either unavailable or do not agree on the potential impact of this missense change (SIFT: "Deleterious"; PolyPhen-2: "Probably Damaging"; Align-GVGD: "Class C0"). In summary, the available evidence is currently insufficient to determine the role of this variant in disease. Therefore, it has been classified as a Variant of Uncertain Significance.